The following is an entry in ClinVar:

NM_001127644.2(GABRA1):c.895A>C (p.Ser299Arg)

Gene: GABRA1 (gamma-aminobutyric acid type A receptor subunit alpha1; plus strand). Cytogenetic location: 5q34.
Variant type: single nucleotide variant.
Coding change: c.895A>C on transcript NM_001127644.2 (MANE Select); coding-DNA position 895, A replaced by C.
Protein change: p.Ser299Arg; replaces serine 299 with arginine.
Molecular consequence: missense variant.
Genome position (GRCh38, 1-based): chr5:161,895,704, A>C. VCF-style: chr5-161895704-A-C. GRCh37 (hg19) VCF-style: chr5-161322710-A-C.
Other names: c.895A>C, p.Ser299Arg (NM_000806.5, NM_001127643.2, NM_001127645.2 and 1 more transcripts); short protein forms S299R.
Identifiers: ClinVar variation 2506745 (VCV002506745.1), dbSNP rs2532292023, ClinGen allele CA362180143.

ClinVar aggregate classification (germline): Uncertain significance (1 of 4 stars; one submission).

Submission:

GeneDx
Classification: Uncertain significance. Last evaluated: 2022-12-19. Review status: criteria provided, single submitter. Criteria: GeneDx Variant Classification Process June 2021. Collection method: clinical testing. Allele origin: germline. Affected: yes.
Comment: Not observed at significant frequency in large population cohorts (gnomAD); In silico analysis supports that this missense variant has a deleterious effect on protein structure/function; Has not been previously published as pathogenic or benign to our knowledge